The following is an entry in ClinVar:

NM_000193.4(SHH):c.853C>G (p.Pro285Ala)

Gene: SHH (sonic hedgehog signaling molecule; minus strand). Cytogenetic location: 7q36.3.
Variant type: single nucleotide variant.
Coding change: c.853C>G on transcript NM_000193.4 (MANE Select); coding-DNA position 853, C replaced by G.
Protein change: p.Pro285Ala; replaces proline 285 with alanine.
Molecular consequence: missense variant. On other transcripts: intron variant (1).
Genome position (GRCh38, 1-based): chr7:155,803,436, G>C on the plus strand (C>G on the coding strand, the complement: SHH is on the minus strand). VCF-style: chr7-155803436-G-C. GRCh37 (hg19) VCF-style: chr7-155596130-G-C.
Other names: c.301+2860C>G (NM_001310462.2); c.853C>G (NM_000193.2); short protein forms P285A.
Identifiers: ClinVar variation 1355665 (VCV001355665.7), dbSNP rs747668656, ClinGen allele CA4586938.

ClinVar aggregate classification (germline): Uncertain significance. Review status: criteria provided, multiple submitters, no conflicts (2 of 4 stars). 2 submissions from 2 submitters: Uncertain significance (2). Last evaluated 2023-07-10.

Conditions:
Inborn genetic diseases. Identifiers: MedGen C0950123, MeSH D030342.
Holoprosencephaly 3 (HPE3). Identifiers: Orphanet 2162, MedGen C1840529, MONDO:0007733, OMIM 142945.

Submissions (2):

Labcorp Genetics (formerly Invitae), Labcorp
Classification: Uncertain significance for Holoprosencephaly 3. Last evaluated: 2023-07-10. Review status: criteria provided, single submitter. Criteria: Invitae Variant Classification Sherloc (09022015). Collection method: clinical testing. Allele origin: germline.
Comment: This variant has not been reported in the literature in individuals affected with SHH-related conditions. In summary, the available evidence is currently insufficient to determine the role of this variant in disease. Therefore, it has been classified as a Variant of Uncertain Significance. An algorithm developed to predict the effect of missense changes on protein structure and function (PolyPhen-2) suggests that this variant is likely to be tolerated. ClinVar contains an entry for this variant (Variation ID: 1355665). This variant is present in population databases (rs747668656, gnomAD 0.004%). This sequence change replaces proline, which is neutral and non-polar, with alanine, which is neutral and non-polar, at codon 285 of the SHH protein (p.Pro285Ala).

Ambry Genetics
Classification: Uncertain significance for Inborn genetic diseases. Last evaluated: 2022-07-08. Review status: criteria provided, single submitter. Criteria: Ambry Variant Classification Scheme 2023. Collection method: clinical testing. Allele origin: germline.